The following is an entry in ClinVar:

NM_001170535.3(ATAD3A):c.469C>T (p.Arg157Trp)

Gene: ATAD3A (ATPase family AAA domain containing 3A; plus strand). Cytogenetic location: 1p36.33.
Variant type: single nucleotide variant.
Coding change: c.469C>T on transcript NM_001170535.3 (MANE Select); coding-DNA position 469, C replaced by T.
Protein change: p.Arg157Trp; replaces arginine 157 with tryptophan.
Molecular consequence: missense variant.
Genome position (GRCh38, 1-based): chr1:1,518,945, C>T. VCF-style: chr1-1518945-C-T. GRCh37 (hg19) VCF-style: chr1-1454325-C-T.
Other names: c.232C>T, p.Arg78Trp (NM_001170536.3); c.613C>T, p.Arg205Trp (NM_018188.5); short protein forms R157W, R205W, R78W.
Identifiers: ClinVar variation 4831495 (VCV004831495.1).

ClinVar aggregate classification (germline): Uncertain significance (1 of 4 stars; one submission).

Conditions:
Inborn genetic diseases. Identifiers: MedGen C0950123, MeSH D030342.

Submission:

Ambry Genetics
Classification: Uncertain significance for Inborn genetic diseases. Last evaluated: 2026-01-14. Review status: criteria provided, single submitter. Criteria: Ambry Variant Classification Scheme 2023. Collection method: clinical testing. Allele origin: germline.
Comment: The c.613C>T (p.R205W) alteration is located in exon 5 (coding exon 5) of the ATAD3A gene. This alteration results from a C to T substitution at nucleotide position 613, causing the arginine (R) at amino acid position 205 to be replaced by a tryptophan (W). Based on data from gnomAD, the T allele has an overall frequency of 0.007% (20/282562) total alleles studied. The highest observed frequency was 0.028% (7/24934) of African alleles. Based on insufficient or conflicting evidence, the clinical significance of this alteration remains unclear.